The following is an entry in ClinVar:

ClinVar aggregate classification (germline): Uncertain significance (1 of 4 stars; one submission).

Submission:

Labcorp Genetics (formerly Invitae), Labcorp
Classification: Uncertain significance. Last evaluated: 2023-06-10. Review status: criteria provided, single submitter. Criteria: Invitae Variant Classification Sherloc (09022015). Collection method: clinical testing. Allele origin: germline.
Comment: In summary, the available evidence is currently insufficient to determine the role of this variant in disease. Therefore, it has been classified as a Variant of Uncertain Significance. Variants that disrupt the consensus splice site are a relatively common cause of aberrant splicing (PMID: 17576681, 9536098). Algorithms developed to predict the effect of sequence changes on RNA splicing suggest that this variant may disrupt the consensus splice site. An algorithm developed to predict the effect of missense changes on protein structure and function (PolyPhen-2) suggests that this variant is likely to be disruptive. This variant has not been reported in the literature in individuals affected with POLE2-related conditions. This variant is not present in population databases (gnomAD no frequency). This sequence change replaces arginine, which is basic and polar, with isoleucine, which is neutral and non-polar, at codon 404 of the POLE2 protein (p.Arg404Ile). This variant also falls at the last nucleotide of exon 15, which is part of the consensus splice site for this exon.

Literature cited by the submitters: PubMed 17576681; PubMed 9536098.

NM_002692.4(POLE2):c.1211G>T (p.Arg404Ile)

Gene: POLE2 (DNA polymerase epsilon 2, accessory subunit; minus strand). Cytogenetic location: 14q21.3.
Variant type: single nucleotide variant.
Coding change: c.1211G>T on transcript NM_002692.4 (MANE Select); coding-DNA position 1211, G replaced by T.
Protein change: p.Arg404Ile; replaces arginine 404 with isoleucine.
Molecular consequence: missense variant.
Genome position (GRCh38, 1-based): chr14:49,653,990, C>A on the plus strand (G>T on the coding strand, the complement: POLE2 is on the minus strand). VCF-style: chr14-49653990-C-A. GRCh37 (hg19) VCF-style: chr14-50120708-C-A.
Other names: c.1133G>T, p.Arg378Ile (NM_001197330.2); c.1211G>T, p.Arg404Ile (NM_001197331.3); c.1208G>T, p.Arg403Ile (NM_001348384.2); c.980G>T, p.Arg327Ile (NM_001348385.2); short protein forms R404I, R327I, R403I, R378I.
Identifiers: ClinVar variation 2999789 (VCV002999789.3), dbSNP rs2502824254, ClinGen allele CA389599970.